The following is an entry in ClinVar:

ClinVar aggregate classification (germline): Uncertain significance (1 of 4 stars; one submission).

Allele frequency attached by ClinVar (database versions not stated): gnomAD exomes below 0.00001.
gnomAD v4.1: 1 of 1,613,092 alleles (0.000062%); highest among the groups gnomAD compares: Non-Finnish European, 0.000085%; no homozygotes.

Submission:

Labcorp Genetics (formerly Invitae), Labcorp
Classification: Uncertain significance. Last evaluated: 2023-07-18. Review status: criteria provided, single submitter. Criteria: Invitae Variant Classification Sherloc (09022015). Collection method: clinical testing. Allele origin: germline.
Comment: An algorithm developed to predict the effect of missense changes on protein structure and function (PolyPhen-2) suggests that this variant is likely to be tolerated. In summary, the available evidence is currently insufficient to determine the role of this variant in disease. Therefore, it has been classified as a Variant of Uncertain Significance. This variant has not been reported in the literature in individuals affected with POLG2-related conditions. This variant is not present in population databases (gnomAD no frequency). This sequence change replaces aspartic acid, which is acidic and polar, with asparagine, which is neutral and polar, at codon 159 of the POLG2 protein (p.Asp159Asn).

NM_007215.4(POLG2):c.475G>A (p.Asp159Asn)

Genes: MILR1 (mast cell immunoglobulin like receptor 1; plus strand), POLG2 (DNA polymerase gamma 2, accessory subunit; minus strand). Cytogenetic location: 17q23.3.
Variant type: single nucleotide variant.
Coding change: c.475G>A on transcript NM_007215.4 (MANE Select); coding-DNA position 475, G replaced by A.
Protein change: p.Asp159Asn; replaces aspartic acid 159 with asparagine.
Molecular consequence: missense variant.
Genome position (GRCh38, 1-based): chr17:64,496,494, C>T on the plus strand (G>A on the coding strand, the complement: POLG2 is on the minus strand). VCF-style: chr17-64496494-C-T. GRCh37 (hg19) VCF-style: chr17-62492612-C-T.
Other names: short protein forms D159N.
Identifiers: ClinVar variation 2744722 (VCV002744722.3), dbSNP rs2509560245, ClinGen allele CA400640858.